The following is an entry in ClinVar:

NM_000392.5(ABCC2):c.4566A>G (p.Leu1522=)

Gene: ABCC2 (ATP binding cassette subfamily C member 2; plus strand). Cytogenetic location: 10q24.2.
Variant type: single nucleotide variant.
Coding change: c.4566A>G on transcript NM_000392.5 (MANE Select); coding-DNA position 4566, A replaced by G.
Protein change: p.Leu1522=; no amino-acid change (leucine 1522 retained).
Molecular consequence: synonymous variant.
Genome position (GRCh38, 1-based): chr10:99,851,559, A>G. VCF-style: chr10-99851559-A-G. GRCh37 (hg19) VCF-style: chr10-101611316-A-G.
Other names: c.4566A>G (NM_000392.4).
Identifiers: ClinVar variation 2900618 (VCV002900618.5), dbSNP rs773138110, ClinGen allele CA5644191.

ClinVar aggregate classification (germline): Likely benign. Review status: criteria provided, single submitter (1 of 4 stars). 2 submissions from 2 submitters: Likely benign (1). 1 of the submissions does not count toward it. Last evaluated 2026-01-26.

Conditions:
ABCC2-related disorder. Also called: ABCC2-related condition.

Allele frequency attached by ClinVar (database versions not stated): gnomAD exomes 0.00001; gnomAD 0.00001; ExAC 0.00002.
gnomAD v4.1: 6 of 1,614,074 alleles (0.00037%); highest among the groups gnomAD compares: Admixed American, 0.01%; no homozygotes.

Submissions (2):

Labcorp Genetics (formerly Invitae), Labcorp
Classification: Likely benign. Last evaluated: 2026-01-26. Review status: criteria provided, single submitter. Criteria: Invitae Variant Classification Sherloc (09022015). Collection method: clinical testing. Allele origin: germline.

PreventionGenetics, part of Exact Sciences
Classification: Likely benign for ABCC2-related condition. Last evaluated: 2023-05-31. Review status: no assertion criteria provided. Collection method: clinical testing. Allele origin: germline. Not counted in ClinVar's aggregate classification.
Comment: This variant is classified as likely benign based on ACMG/AMP sequence variant interpretation guidelines (Richards et al. 2015 PMID: 25741868, with internal and published modifications).